The following is an entry in ClinVar:

NM_014956.5(CEP164):c.3683G>A (p.Ser1228Asn)

Gene: CEP164 (centrosomal protein 164; plus strand). Cytogenetic location: 11q23.3.
Variant type: single nucleotide variant.
Coding change: c.3683G>A on transcript NM_014956.5 (MANE Select); coding-DNA position 3683, G replaced by A.
Protein change: p.Ser1228Asn; replaces serine 1228 with asparagine.
Molecular consequence: missense variant.
Genome position (GRCh38, 1-based): chr11:117,408,963, G>A. VCF-style: chr11-117408963-G-A. GRCh37 (hg19) VCF-style: chr11-117279679-G-A.
Other names: c.3692G>A, p.Ser1231Asn (NM_001271933.2); c.3689G>A, p.Ser1230Asn (NM_001440949.1); c.3683G>A, p.Ser1228Asn (NM_001440950.1, NM_001440951.1, NM_001440953.1); c.3674G>A, p.Ser1225Asn (NM_001440952.1); c.3605G>A, p.Ser1202Asn (NM_001440954.1, NM_001440955.1, NM_001440958.1 and 1 more transcripts); c.3596G>A, p.Ser1199Asn (NM_001440956.1); c.3593G>A, p.Ser1198Asn (NM_001440957.1); c.3554G>A, p.Ser1185Asn (NM_001440960.1); and 14 more; short protein forms S1225N, S1108N, S1109N, S1132N, S1152N, S1158N, S1182N, S1083N.
Identifiers: ClinVar variation 4982921 (VCV004982921.1).
Genomic context (GRCh38, chr11:117,408,963, plus strand): 5'-GCACTCTGGGAGGATCCCCCACCAAGAAGGCAGTAACCTTCGACCTCAGTGACATGGACA[G>A]CCTGAGCAGTGAAAGTTCTGAATCTTTTTCCCCGCCTCACCGTGAGTGGTGGCGGCAGCA-3'
Protein context (NP_055771.4, residues 1218-1238): AVTFDLSDMD[Ser1228Asn]LSSESSESFS

ClinVar aggregate classification (germline): Uncertain significance (1 of 4 stars; one submission).

Conditions:
CEP164-related disorder. Also called: CEP164-related condition.

gnomAD v4.1: 1 of 1,614,150 alleles (0.000062%); highest among the groups gnomAD compares: Non-Finnish European, 0.000085%; no homozygotes.

Submission:

PreventionGenetics, part of Exact Sciences
Classification: Uncertain significance for CEP164-related condition. Last evaluated: 2026-05-07. Review status: criteria provided, single submitter. Criteria: ACMG Guidelines, 2015. Collection method: clinical testing. Allele origin: germline.
Comment: The CEP164 c.3683G>A variant is predicted to result in the amino acid substitution p.Ser1228Asn. To our knowledge, this variant has not been reported in the literature or in a large population database (gnomAD), indicating this variant is rare. At this time, the clinical significance of this variant is uncertain due to the absence of conclusive functional and genetic evidence.